The following is an entry in ClinVar:

NM_181552.4(CUX1):c.2734C>T (p.Pro912Ser)

Gene: CUX1 (cut like homeobox 1; plus strand). Cytogenetic location: 7q22.1.
Variant type: single nucleotide variant.
Coding change: c.2734C>T on transcript NM_181552.4 (MANE Select); coding-DNA position 2734, C replaced by T.
Protein change: p.Pro912Ser; replaces proline 912 with serine.
Molecular consequence: missense variant. On other transcripts: intron variant (5).
Genome position (GRCh38, 1-based): chr7:102,202,031, C>T. VCF-style: chr7-102202031-C-T. GRCh37 (hg19) VCF-style: chr7-101845311-C-T.
Other names: c.2767C>T, p.Pro923Ser (NM_001202543.2); c.1255+6428C>T (NM_001913.5); c.1249+6428C>T (NM_181500.4); c.1117+6428C>T (NM_001202545.3); c.1207+6428C>T (NM_001202544.3); c.1138+6428C>T (NM_001202546.3); short protein forms P912S, P923S.
Identifiers: ClinVar variation 4686437 (VCV004686437.2).

ClinVar aggregate classification (germline): Uncertain significance (1 of 4 stars; one submission).

Submission:

GeneDx
Classification: Uncertain significance. Last evaluated: 2026-05-01. Review status: criteria provided, single submitter. Criteria: GeneDx Variant Classification Process June 2021. Collection method: clinical testing. Allele origin: germline.
Comment: Not observed at significant frequency in large population cohorts (gnomAD); In silico analysis suggests that this missense variant does not alter protein structure/function; Has not been previously published as pathogenic or benign to our knowledge